The following is an entry in ClinVar:

ClinVar aggregate classification (germline): Pathogenic (1 of 4 stars; one submission).

Conditions:
Primary ciliary dyskinesia 3. Identifiers: Orphanet 244, MedGen C1837618, MONDO:0012085, OMIM 608644.

Submission:

Myriad Genetics, Inc.
Classification: Pathogenic for Primary ciliary dyskinesia 3. Last evaluated: 2025-10-24. Review status: criteria provided, single submitter. Criteria: Myriad Autosomal Dominant, Autosomal Recessive and X-Linked Classification Criteria (2023). Collection method: clinical testing. Allele origin: unknown.
Comment: NM_001369.2(DNAH5):c.4987delG(V1663*) is a nonsense variant classified as pathogenic in the context of primary ciliary dyskinesia, DNAH5-related. V1663* has not been observed in cases with relevant disease. Relevant functional assessments of this variant are not available in the literature. V1663* has not been observed in referenced population frequency databases. In summary, NM_001369.2(DNAH5):c.4987delG(V1663*) is a nonsense variant in a gene where loss of function is a known mechanism of disease and is predicted to disrupt protein function. Please note: this variant was assessed in the context of healthy population screening.

NM_001369.3(DNAH5):c.4987del (p.Trp1662_Val1663insTer)

Gene: DNAH5 (dynein axonemal heavy chain 5; minus strand). Cytogenetic location: 5p15.2.
Variant type: Deletion.
Coding change: c.4987del on transcript NM_001369.3 (MANE Select); coding-DNA position 4987, one base deleted (G; older notation c.4987delG).
Protein change: p.Trp1662_Val1663insTer.
Molecular consequence: nonsense.
Genome position (GRCh38, 1-based): chr5:13,850,779, C deleted on the plus strand (G on the coding strand, the reverse complement: DNAH5 is on the minus strand); the first of 3 consecutive C bases (chr5:13,850,779-13,850,781); deleting any one gives the same sequence. VCF-style (leftmost placement, unchanged base first): chr5-13850778-AC-A. GRCh37 (hg19) VCF-style: chr5-13850887-AC-A.
Identifiers: ClinVar variation 5004241 (VCV005004241.1).